The following is an entry in ClinVar:

ClinVar aggregate classification (germline): Uncertain significance. Review status: criteria provided, multiple submitters, no conflicts (2 of 4 stars). 2 submissions from 2 submitters: Uncertain significance (2). Last evaluated 2025-05-12.

Conditions:
Inborn genetic diseases. Identifiers: MedGen C0950123, MeSH D030342.
SEMA3A-related disorder. Also called: SEMA3A-related condition.

gnomAD v4.1: 5 of 1,613,288 alleles (0.00031%); highest among the groups gnomAD compares: Non-Finnish European, 0.00034%; no homozygotes.

Submissions (2):

PreventionGenetics, part of Exact Sciences
Classification: Uncertain significance for SEMA3A-related condition. Last evaluated: 2025-05-12. Review status: criteria provided, single submitter. Criteria: ACMG Guidelines, 2015. Collection method: clinical testing. Allele origin: germline.
Comment: The SEMA3A c.65A>G variant is predicted to result in the amino acid substitution p.Tyr22Cys. To our knowledge, this variant has not been reported in the literature. This variant is reported in 0.0015% of alleles in individuals of European (Non-Finnish) descent in gnomAD. At this time, the clinical significance of this variant is uncertain due to the absence of conclusive functional and genetic evidence.

Ambry Genetics
Classification: Uncertain significance for Inborn genetic diseases. Last evaluated: 2024-11-10. Review status: criteria provided, single submitter. Criteria: Ambry Variant Classification Scheme 2023. Collection method: clinical testing. Allele origin: germline.

NM_006080.3(SEMA3A):c.65A>G (p.Tyr22Cys)

Gene: SEMA3A (semaphorin 3A; minus strand). Cytogenetic location: 7q21.11.
Variant type: single nucleotide variant.
Coding change: c.65A>G on transcript NM_006080.3 (MANE Select); coding-DNA position 65, A replaced by G.
Protein change: p.Tyr22Cys; replaces tyrosine 22 with cysteine.
Molecular consequence: missense variant.
Genome position (GRCh38, 1-based): chr7:84,194,522, T>C on the plus strand (A>G on the coding strand, the complement: SEMA3A is on the minus strand). VCF-style: chr7-84194522-T-C. GRCh37 (hg19) VCF-style: chr7-83823838-T-C.
Other names: short protein forms Y22C.
Identifiers: ClinVar variation 3439413 (VCV003439413.2).